The following is an entry in ClinVar:

ClinVar aggregate classification (germline): Pathogenic (1 of 4 stars; one submission).

Submission:

Labcorp Genetics (formerly Invitae), Labcorp
Classification: Pathogenic. Last evaluated: 2025-10-06. Review status: criteria provided, single submitter. Criteria: Invitae Variant Classification Sherloc (09022015). Collection method: clinical testing. Allele origin: germline.
Comment: This sequence change creates a premature translational stop signal (p.Gly2789Glufs*11) in the EYS gene. While this is not anticipated to result in nonsense mediated decay, it is expected to disrupt the last 356 amino acid(s) of the EYS protein. This variant is not present in population databases (gnomAD no frequency). This variant has not been reported in the literature in individuals affected with EYS-related conditions. This variant disrupts a region of the EYS protein in which other variant(s) (p.Tyr3135*) have been determined to be pathogenic (PMID: 18976725, 29159838, 30337596, 31074760). This suggests that this is a clinically significant region of the protein, and that variants that disrupt it are likely to be disease-causing. For these reasons, this variant has been classified as Pathogenic.

Literature cited by the submitters: PubMed 18976725; PubMed 29159838; PubMed 30337596; PubMed 31074760.

NM_001142800.2(EYS):c.8366del (p.Gly2789fs)

Genes: EYS (EGF-like photoreceptor maintenance factor; minus strand), PHF3 (PHD finger protein 3; plus strand). Cytogenetic location: 6q12.
Variant type: Deletion.
Coding change: c.8366del on transcript NM_001142800.2 (MANE Select); coding-DNA position 8366, one base deleted (G; older notation c.8366delG).
Protein change: p.Gly2789fs; shifts the reading frame from glycine 2789.
Molecular consequence: frameshift variant. On other transcripts: 3 prime UTR variant (5).
Genome position (GRCh38, 1-based): chr6:63,721,665, C deleted on the plus strand (G on the coding strand, the reverse complement: EYS is on the minus strand); the first of 2 consecutive C bases (chr6:63,721,665-63,721,666); deleting either gives the same sequence. VCF-style (leftmost placement, unchanged base first): chr6-63721664-TC-T. GRCh37 (hg19) VCF-style: chr6-64431560-TC-T.
Other names: c.*7958del (NM_001290259.2, NM_001370348.2, NM_001370349.2 and 2 more transcripts); c.8429del, p.Gly2810fs (NM_001292009.2); short protein forms G2789fs, G2810fs.
Identifiers: ClinVar variation 4728291 (VCV004728291.1).